The following is an entry in ClinVar:

NM_022662.4(ANAPC1):c.2704+4A>G

Gene: ANAPC1 (anaphase promoting complex subunit 1; minus strand). Cytogenetic location: 2q13.
Variant type: single nucleotide variant.
Coding change: c.2704+4A>G on transcript NM_022662.4 (MANE Select); 4 bases into the intron after coding-DNA position 2704, A replaced by G.
Molecular consequence: intron variant.
Genome position (GRCh38, 1-based): chr2:111,825,773, T>C on the plus strand (A>G on the coding strand, the complement: ANAPC1 is on the minus strand). VCF-style: chr2-111825773-T-C. GRCh37 (hg19) VCF-style: chr2-112583350-T-C.
Other names: NC_000002.11:g.112583350T>C.
Identifiers: ClinVar variation 4502745 (VCV004502745.2).

ClinVar aggregate classification (germline): Benign (1 of 4 stars; one submission).

gnomAD v4.1: 417 of 1,612,348 alleles (0.026%); highest among the groups gnomAD compares: African/African-American, 0.47%; 1 homozygote.

Submissions (2):

Women's Health and Genetics/Laboratory Corporation of America, LabCorp
Classification: Benign. Last evaluated: 2026-05-21. Review status: criteria provided, single submitter. Criteria: LabCorp Variant Classification Summary - May 2015. Collection method: clinical testing. Allele origin: germline.
Comment: Variant summary: ANAPC1 c.2704+4A>G alters a conserved nucleotide located close to a canonical splice site and therefore could affect mRNA splicing, leading to a significantly altered protein sequence. Several computational tools predict a significant impact on normal splicing: Three predict the variant weakens a canonical 5' donor site, one predicts the variant abolishes a canonical 5' splicing donor site, two predict the variant creates a cryptic 5' donor site, and one predicts the variant strengthens a cryptic 5' donor site. However, these predictions have yet to be confirmed by functional studies. The variant allele was found at a frequency of 0.00029 in 249898 control chromosomes, predominantly at a frequency of 0.0041 within the African or African-American subpopulation in the gnomAD database. The observed variant frequency within African or African-American control individuals in the gnomAD database exceeds the estimated maximal expected allele frequency for disease-causing variants in ANAPC1. To our knowledge, no occurrence of c.2704+4A>G in individuals affected with ANAPC1-related conditions and no experimental evidence demonstrating its impact on protein function have been reported. No submitters have cited clinical-significance assessments for this variant to ClinVar. Based on the evidence outlined above, the variant was classified as benign.

Dr. Peter K. Rogan Lab, Western University
No classification provided (evidence only). Condition: Uterine carcinosarcoma. Review status: no classification provided. Collection method: in vitro. Allele origin: not applicable. Functional consequence: retained intron. Not counted in ClinVar's aggregate classification.